The following is an entry in ClinVar:

NM_002519.3(NPAT):c.1346A>T (p.Asn449Ile)

Gene: NPAT (nuclear protein, coactivator of histone transcription; minus strand). Cytogenetic location: 11q22.3.
Variant type: single nucleotide variant.
Coding change: c.1346A>T on transcript NM_002519.3 (MANE Select); coding-DNA position 1346, A replaced by T.
Protein change: p.Asn449Ile; replaces asparagine 449 with isoleucine.
Molecular consequence: missense variant.
Genome position (GRCh38, 1-based): chr11:108,173,638, T>A on the plus strand (A>T on the coding strand, the complement: NPAT is on the minus strand). VCF-style: chr11-108173638-T-A. GRCh37 (hg19) VCF-style: chr11-108044365-T-A.
Other names: c.1346A>T, p.Asn449Ile (NM_001321307.1); short protein forms N449I.
Identifiers: ClinVar variation 1770476 (VCV001770476.2), dbSNP rs1447843084, ClinGen allele CA382515536.
Genomic context (GRCh38, chr11:108,173,638, plus strand): 5'-TCAGCACAATGTGGATTACATTCAGCATTAGAATTCCCTCTTTGGTTAAAGTCATTCAAA[T>A]TAGGCACGGACTCAAAGGTAATGTCAATGTCACACTTCTGTTCAGTGGGTACAGCTGTTT-3'
Protein context (NP_002510.2, residues 439-459): DIDITFESVP[Asn449Ile]LNDFNQRGNS

ClinVar aggregate classification (germline): Uncertain significance (1 of 4 stars; one submission).

gnomAD v4.1: 1 of 1,614,206 alleles (0.000062%); highest among the groups gnomAD compares: Non-Finnish European, 0.000085%; no homozygotes.

Submission:

Ambry Genetics
Classification: Uncertain significance. Last evaluated: 2022-01-13. Review status: criteria provided, single submitter. Criteria: Ambry Variant Classification Scheme 2023. Collection method: clinical testing. Allele origin: germline.
Comment: The p.N449I variant (also known as c.1346A>T), located in coding exon 13 of the NPAT gene, results from an A to T substitution at nucleotide position 1346. The asparagine at codon 449 is replaced by isoleucine, an amino acid with dissimilar properties. This amino acid position is conserved. In addition, this alteration is predicted to be tolerated by in silico analysis. Since supporting evidence is limited at this time, the clinical significance of this alteration remains unclear.